The following is an entry in ClinVar:

NM_006567.5(FARS2):c.143G>A (p.Gly48Asp)

Genes: FARS2 (phenylalanyl-tRNA synthetase 2, mitochondrial; plus strand), LOC126859565 (CDK7 strongly-dependent group 2 enhancer GRCh37_chr6:5368745-5369944; plus strand). Cytogenetic location: 6p25.1.
Variant type: single nucleotide variant.
Coding change: c.143G>A on transcript NM_006567.5 (MANE Select); coding-DNA position 143, G replaced by A.
Protein change: p.Gly48Asp; replaces glycine 48 with aspartic acid.
Molecular consequence: missense variant. On other transcripts: intron variant (2).
Genome position (GRCh38, 1-based): chr6:5,368,713, G>A. VCF-style: chr6-5368713-G-A. GRCh37 (hg19) VCF-style: chr6-5368946-G-A.
Other names: c.143G>A, p.Gly48Asp (NM_001318872.2, NM_001374875.1, NM_001374876.1 and 5 more transcripts); c.-340-27920G>A (NM_001375260.1); c.-84-35829G>A (NM_001375259.1); short protein forms G48D.
Identifiers: ClinVar variation 4698655 (VCV004698655.1).

ClinVar aggregate classification (germline): Uncertain significance (1 of 4 stars; one submission).

Conditions:
Combined oxidative phosphorylation defect type 14. Also called: Combined oxidative phosphorylation deficiency 14. Identifiers: Orphanet 319519, MedGen C4755312, MONDO:0013986, OMIM 614946.

gnomAD v4.1: 27 of 1,614,038 alleles (0.0017%); highest among the groups gnomAD compares: South Asian, 0.03%; 1 homozygote.

Submission:

Labcorp Genetics (formerly Invitae), Labcorp
Classification: Uncertain significance for Combined oxidative phosphorylation defect type 14. Last evaluated: 2025-10-07. Review status: criteria provided, single submitter. Criteria: Invitae Variant Classification Sherloc (09022015). Collection method: clinical testing. Allele origin: germline.
Comment: This sequence change replaces glycine, which is neutral and non-polar, with aspartic acid, which is acidic and polar, at codon 48 of the FARS2 protein (p.Gly48Asp). This variant is present in population databases (rs750482903, gnomAD 0.02%). This variant has not been reported in the literature in individuals affected with FARS2-related conditions. Invitae Evidence Modeling of protein sequence and biophysical properties (such as structural, functional, and spatial information, amino acid conservation, physicochemical variation, residue mobility, and thermodynamic stability) indicates that this missense variant is not expected to disrupt FARS2 protein function with a negative predictive value of 80%. In summary, the available evidence is currently insufficient to determine the role of this variant in disease. Therefore, it has been classified as a Variant of Uncertain Significance.